The following is an entry in ClinVar:

ClinVar aggregate classification (germline): Uncertain significance (1 of 4 stars; one submission).

Conditions:
Developmental and epileptic encephalopathy, 12 (DEE12). Identifiers: MedGen C3150988, MONDO:0013389, OMIM 613722.

gnomAD v4.1: 1 of 1,612,864 alleles (0.000062%); highest among the groups gnomAD compares: East Asian, 0.0022%; no homozygotes.

Submission:

Labcorp Genetics (formerly Invitae), Labcorp
Classification: Uncertain significance for Developmental and epileptic encephalopathy, 12. Last evaluated: 2018-04-17. Review status: criteria provided, single submitter. Criteria: Invitae Variant Classification Sherloc (09022015). Collection method: clinical testing. Allele origin: germline.
Comment: This sequence change replaces proline with histidine at codon 875 of the PLCB1 protein (p.Pro875His). The proline residue is moderately conserved and there is a moderate physicochemical difference between proline and histidine. This variant is not present in population databases (ExAC no frequency). This variant has not been reported in the literature in individuals with PLCB1-related disease. Algorithms developed to predict the effect of missense changes on protein structure and function do not agree on the potential impact of this missense change (SIFT: "Deleterious"; PolyPhen-2: "Benign"; Align-GVGD: "Class C0"). In summary, the available evidence is currently insufficient to determine the role of this variant in disease. Therefore, it has been classified as a Variant of Uncertain Significance.

NM_015192.4(PLCB1):c.2624C>A (p.Pro875His)

Gene: PLCB1 (phospholipase C beta 1; plus strand). Cytogenetic location: 20p12.3.
Variant type: single nucleotide variant.
Coding change: c.2624C>A on transcript NM_015192.4 (MANE Select); coding-DNA position 2624, C replaced by A.
Protein change: p.Pro875His; replaces proline 875 with histidine.
Molecular consequence: missense variant.
Genome position (GRCh38, 1-based): chr20:8,757,146, C>A. VCF-style: chr20-8757146-C-A. GRCh37 (hg19) VCF-style: chr20-8737793-C-A.
Other names: c.2624C>A, p.Pro875His (NM_182734.3); short protein forms P875H.
Identifiers: ClinVar variation 1047578 (VCV001047578.9), dbSNP rs1386644525, ClinGen allele CA408207328.